The following is an entry in ClinVar:

ClinVar aggregate classification (germline): Likely benign. Review status: criteria provided, multiple submitters, no conflicts (2 of 4 stars). 2 submissions from 2 submitters: Likely benign (2). Last evaluated 2024-09-02.

Allele frequency attached by ClinVar (database versions not stated): gnomAD exomes below 0.00001.
gnomAD v4.1: 3 of 1,613,584 alleles (0.00019%); highest among the groups gnomAD compares: Non-Finnish European, 0.00025%; no homozygotes.

Submissions (2):

Blueprint Genetics
Classification: Likely benign. Last evaluated: 2024-09-02. Review status: criteria provided, single submitter. Criteria: ACMG Guidelines, 2015. Collection method: clinical testing. Allele origin: germline.

Women's Health and Genetics/Laboratory Corporation of America, LabCorp
Classification: Likely benign. Last evaluated: 2023-10-26. Review status: criteria provided, single submitter. Criteria: LabCorp Variant Classification Summary - May 2015. Collection method: clinical testing. Allele origin: germline.
Comment: Variant summary: SLC1A2 c.1095T>C alters a conserved nucleotide resulting in a synonymous change. Consensus agreement among computation tools predict no significant impact on normal splicing. However, these predictions have yet to be confirmed by functional studies. The variant was absent in 250784 control chromosomes. The available data on variant occurrences in the general population are insufficient to allow any conclusion about variant significance. To our knowledge, no occurrence of c.1095T>C in individuals affected with Epileptic Encephalopathy, Early Infantile, 41 and no experimental evidence demonstrating its impact on protein function have been reported. No submitters have cited clinical-significance assessments for this variant to ClinVar after 2014. Based on the evidence outlined above, the variant was classified as likely benign.

NM_004171.4(SLC1A2):c.1095T>C (p.Ala365=)

Gene: SLC1A2 (solute carrier family 1 member 2; minus strand). Cytogenetic location: 11p13.
Variant type: single nucleotide variant.
Coding change: c.1095T>C on transcript NM_004171.4 (MANE Select); coding-DNA position 1095, T replaced by C.
Protein change: p.Ala365=; no amino-acid change (alanine 365 retained).
Molecular consequence: synonymous variant.
Genome position (GRCh38, 1-based): chr11:35,286,948, A>G on the plus strand (T>C on the coding strand, the complement: SLC1A2 is on the minus strand). VCF-style: chr11-35286948-A-G. GRCh37 (hg19) VCF-style: chr11-35308495-A-G.
Other names: c.1068T>C, p.Ala356= (NM_001195728.3, NM_001252652.2).
Identifiers: ClinVar variation 2637495 (VCV002637495.2), dbSNP rs2497743717, ClinGen allele CA473546050.